The following is an entry in ClinVar:

ClinVar aggregate classification (germline): Uncertain significance (1 of 4 stars; one submission).

Conditions:
Hereditary cancer-predisposing syndrome. Also called: Neoplastic Syndromes, Hereditary; Tumor predisposition; Hereditary neoplastic syndrome; Hereditary Cancer Syndrome. Identifiers: Orphanet 140162, MedGen C0027672, MeSH D009386, MONDO:0015356.

Submission:

Ambry Genetics
Classification: Uncertain significance for Hereditary cancer-predisposing syndrome. Last evaluated: 2026-07-06. Review status: criteria provided, single submitter. Criteria: Ambry Variant Classification Scheme 2023. Collection method: clinical testing. Allele origin: germline.
Comment: The p.Q325P variant (also known as c.974A>C), located in coding exon 4 of the MSH6 gene, results from an A to C substitution at nucleotide position 974. The glutamine at codon 325 is replaced by proline, an amino acid with similar properties. This amino acid position is conserved. In addition, this alteration is predicted to be tolerated by in silico analysis. Based on the available evidence, the clinical significance of this variant remains unclear.

NM_000179.3(MSH6):c.974A>C (p.Gln325Pro)

Gene: MSH6 (mutS homolog 6; plus strand). Cytogenetic location: 2p16.3.
Variant type: single nucleotide variant.
Coding change: c.974A>C on transcript NM_000179.3 (MANE Select); coding-DNA position 974, A replaced by C.
Protein change: p.Gln325Pro; replaces glutamine 325 with proline.
Molecular consequence: missense variant. On other transcripts: non-coding transcript variant (4), intron variant (1).
Genome position (GRCh38, 1-based): chr2:47,798,957, A>C. VCF-style: chr2-47798957-A-C. GRCh37 (hg19) VCF-style: chr2-48026096-A-C.
Other names: c.677A>C, p.Gln226Pro (NM_001406805.1, NM_001406797.1, NM_001406801.1 and 10 more transcripts); c.449A>C, p.Gln150Pro (NM_001406806.1, NM_001406807.1, NM_001406799.1); c.974A>C, p.Gln325Pro (NM_001406808.1, NM_001406809.1, NM_001406796.1 and 4 more transcripts); c.68A>C, p.Gln23Pro (NM_001406811.1, NM_001406812.1, NM_001406814.1 and 6 more transcripts); c.980A>C, p.Gln327Pro (NM_001406813.1); c.584A>C, p.Gln195Pro (NM_001281492.2); c.1070A>C, p.Gln357Pro (NM_001406795.1, NM_001406802.1); c.896A>C, p.Gln299Pro (NM_001406804.1); and 2 more; short protein forms Q150P, Q226P, Q23P, Q269P, Q357P, Q299P, Q325P, Q195P.
Identifiers: ClinVar variation 5024888 (VCV005024888.1).